The following is an entry in ClinVar:

NM_001130987.2(DYSF):c.377_380dup (p.Pro128fs)

Gene: DYSF (dysferlin; plus strand). Cytogenetic location: 2p13.2.
Variant type: Duplication.
Coding change: c.377_380dup on transcript NM_001130987.2 (MANE Select); coding-DNA positions 377 to 380, 4 bases duplicated (CGCT; older notation c.377_380dupCGCT).
Protein change: p.Pro128fs; shifts the reading frame from proline 128.
Molecular consequence: frameshift variant.
Genome position (GRCh38, 1-based): chr2:71,511,838-71,511,841, CGCT duplicated. VCF-style (leftmost placement, unchanged base first): chr2-71511837-C-CCGCT. GRCh37 (hg19) VCF-style: chr2-71738967-C-CCGCT.
Other names: c.377_380dup, p.Pro128fs (NM_001130455.2, NM_001130982.2, NM_001130983.2 and 3 more transcripts); c.374_377dup, p.Pro127fs (NM_001130976.2, NM_001130977.2, NM_001130978.2 and 4 more transcripts); short protein forms P127fs, P128fs.
Identifiers: ClinVar variation 5011695 (VCV005011695.1).
Genomic context (GRCh38, chr2:71,511,837, plus strand): 5'-AACCTGTCCCCCACGTCTCATCTCTTCCAGGCCTCGCTGGTCCTGCAGGTGTCCTACACA[C>CCGCT]CGCTGCCTGGAGCTGTGCCCCTGTTCCCGCCCCCTACTCCTCTGGAGCCCTCCCCGACTC-3'

ClinVar aggregate classification (germline): Pathogenic (1 of 4 stars; one submission).

Conditions:
Autosomal recessive limb-girdle muscular dystrophy. Identifiers: Orphanet 102015, MedGen C2931907, MONDO:0015152.

Submission:

Myriad Genetics, Inc.
Classification: Pathogenic for Autosomal recessive limb-girdle muscular dystrophy. Last evaluated: 2023-09-20. Review status: criteria provided, single submitter. Criteria: Myriad Autosomal Dominant, Autosomal Recessive and X-Linked Classification Criteria (2023). Collection method: clinical testing. Allele origin: unknown.
Comment: NM_003494.3(DYSF):c.374_377dupCGCT(P127Afs*22) is expected to be pathogenic in the context of dysferlinopathy. This variant is predicted to lead to an abnormal or absent protein product due to the creation of a premature termination codon in DYSF, a gene where loss-of-function variants are known to be pathogenic. Please note: this variant was assessed in the context of healthy population screening.